The following is an entry in ClinVar:

ClinVar aggregate classification (germline): Pathogenic. Review status: criteria provided, multiple submitters, no conflicts (2 of 4 stars). 3 submissions from 3 submitters: Pathogenic (2). 1 of the submissions does not count toward it. Last evaluated 2025-02-09.

Conditions:
Menkes kinky-hair syndrome (MNK). Also called: Menkes Disease; Copper transport disease; Classic Menkes Disease. Identifiers: Orphanet 565, MedGen C0022716, MONDO:0010651, OMIM 309400.
Cutis laxa, X-linked (OHS). Also called: EDS IX; Occipital horn syndrome. Identifiers: Orphanet 198, MedGen C0268353, MONDO:0010572, OMIM 304150.
X-linked distal spinal muscular atrophy type 3. Also called: SPINAL MUSCULAR ATROPHY, DISTAL, X-LINKED RECESSIVE; NEURONOPATHY, DISTAL HEREDITARY MOTOR, X-LINKED; NEUROPATHY, DISTAL HEREDITARY MOTOR, X-LINKED; ATP7A-Related Distal Motor Neuropathy. Identifiers: Orphanet 139557, MedGen C1845359, MONDO:0010338, OMIM 300489.

Submissions (3):

Labcorp Genetics (formerly Invitae), Labcorp
Classification: Pathogenic for X-linked distal spinal muscular atrophy type 3; Cutis laxa, X-linked; Menkes kinky-hair syndrome. Last evaluated: 2025-02-09. Review status: criteria provided, single submitter. Criteria: Invitae Variant Classification Sherloc (09022015). Collection method: clinical testing. Allele origin: germline.
Comment: This sequence change affects an acceptor splice site in intron 11 of the ATP7A gene. It is expected to disrupt RNA splicing. Variants that disrupt the donor or acceptor splice site typically lead to a loss of protein function (PMID: 16199547), and loss-of-function variants in ATP7A are known to be pathogenic (PMID: 11241493, 20652413). This variant is not present in population databases (gnomAD no frequency). Disruption of this splice site has been observed in individuals with clinical features of Menkes disease (PMID: 20652413; internal data). ClinVar contains an entry for this variant (Variation ID: 210431). Algorithms developed to predict the effect of sequence changes on RNA splicing suggest that this variant may disrupt the consensus splice site. For these reasons, this variant has been classified as Pathogenic.

Genetic Services Laboratory, University of Chicago
Classification: Pathogenic for Menkes disease. Last evaluated: 2013-02-08. Review status: criteria provided, single submitter. Criteria: ACMG Guidelines, 2007. Collection method: clinical testing. Allele origin: germline. Affected: yes.

Inherited Neuropathy Consortium Ii, University Of Miami
Classification: Uncertain significance for Menkes kinky-hair syndrome. Last evaluated: 2016-01-06. Review status: no assertion criteria provided. Collection method: literature only. Allele origin: germline. Affected: yes. Not counted in ClinVar's aggregate classification.

Literature cited by the submitters: PubMed 16199547 (cited by Labcorp Genetics (formerly Invitae), Labcorp); PubMed 11241493 (cited by Labcorp Genetics (formerly Invitae), Labcorp); PubMed 20652413 (cited by Labcorp Genetics (formerly Invitae), Labcorp); PubMed 7977350 (cited by Inherited Neuropathy Consortium Ii, University Of Miami).

NM_000052.7(ATP7A):c.2499-1G>A

Gene: ATP7A (ATPase copper transporting alpha; plus strand). Cytogenetic location: Xq21.1.
Variant type: single nucleotide variant.
Coding change: c.2499-1G>A on transcript NM_000052.7 (MANE Select); the canonical splice acceptor site of the intron before coding-DNA position 2499, G replaced by A.
Molecular consequence: splice acceptor variant.
Genome position (GRCh38, 1-based): chrX:78,015,753, G>A. VCF-style: chrX-78015753-G-A. GRCh37 (hg19) VCF-style: chrX-77271250-G-A.
Other names: c.2265-1G>A (NM_001282224.2); c.2499-1G>A (NM_000052.6).
Identifiers: ClinVar variation 210431 (VCV000210431.8), dbSNP rs797045359, ClinGen allele CA277195.
Genomic context (GRCh38, chrX:78,015,753, plus strand): 5'-ATGGAGAGGTCAGGGTAGGAAGCATATTATCATGGTGCTTTTTATGTTAACTTATATCCA[G>A]TGAAGAACAAGTGGATGTGGAACTTGTACAACGTGGAGATATCATTAAAGTAGTTCCAGG-3'